The following is an entry in ClinVar:

ClinVar aggregate classification (germline): Uncertain significance (1 of 4 stars; one submission).

gnomAD v4.1: 76 of 1,614,040 alleles (0.0047%); highest among the groups gnomAD compares: South Asian, 0.072%; no homozygotes.

Submission:

Labcorp Genetics (formerly Invitae), Labcorp
Classification: Uncertain significance. Last evaluated: 2025-02-17. Review status: criteria provided, single submitter. Criteria: Invitae Variant Classification Sherloc (09022015). Collection method: clinical testing. Allele origin: germline.
Comment: This sequence change replaces isoleucine, which is neutral and non-polar, with threonine, which is neutral and polar, at codon 468 of the SLC16A1 protein (p.Ile468Thr). This variant is present in population databases (rs781729742, gnomAD 0.06%). This variant has not been reported in the literature in individuals affected with SLC16A1-related conditions. An algorithm developed to predict the effect of missense changes on protein structure and function outputs the following: PolyPhen-2: "Benign". The threonine amino acid residue is found in multiple mammalian species, which suggests that this missense change does not adversely affect protein function. In summary, the available evidence is currently insufficient to determine the role of this variant in disease. Therefore, it has been classified as a Variant of Uncertain Significance.

NM_003051.4(SLC16A1):c.1403T>C (p.Ile468Thr)

Gene: SLC16A1 (solute carrier family 16 member 1; minus strand). Cytogenetic location: 1p13.2.
Variant type: single nucleotide variant.
Coding change: c.1403T>C on transcript NM_003051.4 (MANE Select); coding-DNA position 1403, T replaced by C.
Protein change: p.Ile468Thr; replaces isoleucine 468 with threonine.
Molecular consequence: missense variant.
Genome position (GRCh38, 1-based): chr1:112,913,991, A>G on the plus strand (T>C on the coding strand, the complement: SLC16A1 is on the minus strand). VCF-style: chr1-112913991-A-G. GRCh37 (hg19) VCF-style: chr1-113456613-A-G.
Other names: c.1403T>C, p.Ile468Thr (NM_001166496.2); short protein forms I468T.
Identifiers: ClinVar variation 3708090 (VCV003708090.2).